The following is an entry in ClinVar:

NM_007294.4(BRCA1):c.346del (p.Glu116fs)

Gene: BRCA1 (BRCA1 DNA repair associated; minus strand). Cytogenetic location: 17q21.31.
Variant type: Deletion.
Coding change: c.346del on transcript NM_007294.4 (MANE Select); coding-DNA position 346, one base deleted (G; older notation c.346delG).
Protein change: p.Glu116fs; shifts the reading frame from glutamic acid 116.
Molecular consequence: frameshift variant. On other transcripts: non-coding transcript variant (1).
Genome position (GRCh38, 1-based): chr17:43,104,217, C deleted on the plus strand (G on the coding strand, the reverse complement: BRCA1 is on the minus strand). VCF-style (leftmost placement, unchanged base first): chr17-43104216-TC-T. GRCh37 (hg19) VCF-style: chr17-41256233-TC-T.
Other names: c.136delG, p.Glu46Asnfs (NM_001407571.1, NM_001407853.1, NM_001407879.1 and 58 more transcripts); c.346delG, p.Glu116Asnfs (NM_001407581.1, NM_001407582.1, NM_001407583.1 and 163 more transcripts); c.337delG, p.Glu113Asnfs (NM_001407646.1, NM_001407647.1, NM_001408408.1); c.268delG, p.Glu90Asnfs (NM_001407653.1, NM_001407654.1, NM_001407655.1 and 21 more transcripts); c.205delG, p.Glu69Asnfs (NM_001407695.1, NM_001407696.1, NM_001407697.1 and 98 more transcripts); c.-36delG (NM_001407959.1, NM_001407960.1, NM_001407962.1 and 4 more transcripts); c.214delG, p.Glu72Asnfs (NM_001408451.1); c.205del, p.Glu69fs (NM_007297.4); and 1 more; short protein forms E69fs, E116fs.
Identifiers: ClinVar variation 252400 (VCV000252400.25), dbSNP rs762635795, ClinGen allele CA055760.
Genomic context (GRCh38, chr17:43,104,216, plus strand): 5'-CTTTTGGCACGGTTTCTGTAGCCCATACTTTGGATGATAGAAACTTCATCTTTTAGATGT[TC>T]AGGAGAGTTATTTTCCTTTTTTGCAAAATTATAGCTGTTTGCATCTGTAAAATACAAGGG-3'

ClinVar aggregate classification (germline): Pathogenic. Review status: reviewed by expert panel (3 of 4 stars). 6 submissions from 6 submitters: Pathogenic (1). 5 of the submissions do not count toward it. Last evaluated 2016-09-08.

Conditions:
Hereditary cancer-predisposing syndrome. Also called: Hereditary Cancer Syndrome; Neoplastic Syndromes, Hereditary; Hereditary neoplastic syndrome; Tumor predisposition. Identifiers: Orphanet 140162, MedGen C0027672, MeSH D009386, MONDO:0015356.
Hereditary breast ovarian cancer syndrome. Also called: Hereditary breast and ovarian cancer syndrome (HBOC); Breast and ovarian cancer; Hereditary breast and ovarian cancer syndrome; Hereditary breast and ovarian cancer; BRCA1- and BRCA2-Associated Hereditary Breast and Ovarian Cancer; Hereditary breast and/or ovarian cancer syndrome. Identifiers: Orphanet 145, MedGen C0677776, MeSH D061325, MONDO:0003582. Disease mechanism: loss of function.
Breast-ovarian cancer, familial, susceptibility to, 1 (BROVCA1). Also called: BRCA1 Hereditary Breast and Ovarian Cancer; OVARIAN CANCER, SUSCEPTIBILITY TO. Identifiers: Orphanet 145, MedGen C2676676, MONDO:0011450, OMIM 604370. Disease mechanism: loss of function.

Allele frequency attached by ClinVar (database versions not stated): gnomAD exomes below 0.00001; ExAC 0.00001.

Submissions (6):

Evidence-based Network for the Interpretation of Germline Mutant Alleles (ENIGMA)
Classification: Pathogenic for Breast-ovarian cancer, familial, susceptibility to, 1. Last evaluated: 2016-09-08. Review status: reviewed by expert panel. Criteria: ENIGMA BRCA1/2 Classification Criteria (2015). Collection method: curation. Allele origin: germline.
Comment: Variant allele predicted to encode a truncated non-functional protein.

Ambry Genetics
Classification: Pathogenic for Hereditary cancer-predisposing syndrome. Last evaluated: 2025-03-23. Review status: criteria provided, single submitter. Criteria: Ambry Variant Classification Scheme 2023. Collection method: clinical testing. Allele origin: germline. Not counted in ClinVar's aggregate classification.
Comment: The c.346delG pathogenic mutation, located in coding exon 5 of the BRCA1 gene, results from a deletion of one nucleotide at nucleotide position 346, causing a translational frameshift with a predicted alternate stop codon (p.E116Nfs*3). This alteration has been reported in at least two affected individuals with breast and/or ovarian cancer (Singh J et al. Breast Cancer Res. Treat., 2018 Jul;170:189-196). In addition to the clinical data presented in the literature, this alteration is expected to result in loss of function by premature protein truncation or nonsense-mediated mRNA decay. As such, this alteration is interpreted as a disease-causing mutation.

Labcorp Genetics (formerly Invitae), Labcorp
Classification: Pathogenic for Hereditary breast ovarian cancer syndrome. Last evaluated: 2024-02-01. Review status: criteria provided, single submitter. Criteria: Invitae Variant Classification Sherloc (09022015). Collection method: clinical testing. Allele origin: germline. Not counted in ClinVar's aggregate classification.
Comment: This sequence change creates a premature translational stop signal (p.Glu116Asnfs*3) in the BRCA1 gene. It is expected to result in an absent or disrupted protein product. Loss-of-function variants in BRCA1 are known to be pathogenic (PMID: 20104584). This variant is present in population databases (rs762635795, gnomAD 0.003%). This premature translational stop signal has been observed in individual(s) with breast and/or ovarian cancer (PMID: 29470806). ClinVar contains an entry for this variant (Variation ID: 252400). For these reasons, this variant has been classified as Pathogenic.

Baylor Genetics
Classification: Pathogenic for Breast-ovarian cancer, familial, susceptibility to, 1. Last evaluated: 2023-02-02. Review status: criteria provided, single submitter. Criteria: ACMG Guidelines, 2015. Collection method: clinical testing. Allele origin: unknown. Not counted in ClinVar's aggregate classification.

Quest Diagnostics Nichols Institute San Juan Capistrano
Classification: Likely pathogenic. Last evaluated: 2018-01-28. Review status: criteria provided, single submitter. Criteria: Quest Diagnostics criteria. Collection method: clinical testing. Allele origin: unknown. Not counted in ClinVar's aggregate classification.

Counsyl
Classification: Likely pathogenic for Breast-ovarian cancer, familial, susceptibility to, 1. Last evaluated: 2016-12-06. Review status: no assertion criteria provided. Collection method: clinical testing. Allele origin: unknown. Not counted in ClinVar's aggregate classification.

Literature cited by the submitters: PubMed 29470806 (cited by Ambry Genetics and Labcorp Genetics (formerly Invitae), Labcorp); PubMed 20104584 (cited by Labcorp Genetics (formerly Invitae), Labcorp).